The following is an entry in ClinVar:

ClinVar aggregate classification (germline): Pathogenic (1 of 4 stars; one submission).

Conditions:
Glycogen storage disease due to muscle and heart glycogen synthase deficiency. Also called: GSD 0b; MUSCLE GLYCOGEN SYNTHASE DEFICIENCY. Identifiers: Orphanet 137625, MedGen C1969054, MONDO:0012693, OMIM 611556.

Submission:

Labcorp Genetics (formerly Invitae), Labcorp
Classification: Pathogenic for Glycogen storage disease due to muscle and heart glycogen synthase deficiency. Last evaluated: 2023-12-07. Review status: criteria provided, single submitter. Criteria: Invitae Variant Classification Sherloc (09022015). Collection method: clinical testing. Allele origin: germline.
Comment: This sequence change creates a premature translational stop signal (p.Gly120Valfs*38) in the GYS1 gene. It is expected to result in an absent or disrupted protein product. Loss-of-function variants in GYS1 are known to be pathogenic (PMID: 17928598, 19699667). This variant is not present in population databases (gnomAD no frequency). This variant has not been reported in the literature in individuals affected with GYS1-related conditions. ClinVar contains an entry for this variant (Variation ID: 1948472). For these reasons, this variant has been classified as Pathogenic.

Literature cited by the submitters: PubMed 17928598; PubMed 19699667.

NM_002103.5(GYS1):c.359del (p.Gly120fs)

Gene: GYS1 (glycogen synthase 1; minus strand). Cytogenetic location: 19q13.33.
Variant type: Deletion.
Coding change: c.359del on transcript NM_002103.5 (MANE Select); coding-DNA position 359, one base deleted (G; older notation c.359delG).
Protein change: p.Gly120fs; shifts the reading frame from glycine 120.
Molecular consequence: frameshift variant. On other transcripts: non-coding transcript variant (1), intron variant (1).
Genome position (GRCh38, 1-based): chr19:48,987,327, C deleted on the plus strand (G on the coding strand, the reverse complement: GYS1 is on the minus strand); the first of 3 consecutive C bases (chr19:48,987,327-48,987,329); deleting any one gives the same sequence. VCF-style (leftmost placement, unchanged base first): chr19-48987326-AC-A. GRCh37 (hg19) VCF-style: chr19-49490583-AC-A.
Other names: c.301-1292del (NM_001161587.2); short protein forms G120fs.
Identifiers: ClinVar variation 1948472 (VCV001948472.5), dbSNP rs1331157104, ClinGen allele CA633889633.